The following is an entry in ClinVar:

ClinVar aggregate classification (germline): Uncertain significance (1 of 4 stars; one submission).

Allele frequency attached by ClinVar (database versions not stated): gnomAD exomes 0.00001.
gnomAD v4.1: 6 of 1,603,248 alleles (0.00037%); highest among the groups gnomAD compares: South Asian, 0.0067%; no homozygotes.

Submission:

GeneDx
Classification: Uncertain significance. Last evaluated: 2020-01-17. Review status: criteria provided, single submitter. Criteria: GeneDx Variant Classification Process June 2021. Collection method: clinical testing. Allele origin: germline. Affected: yes.
Comment: In silico analysis, which includes protein predictors and evolutionary conservation, supports that this variant does not alter protein structure/function; Has not been previously published as pathogenic or benign to our knowledge

NM_018896.5(CACNA1G):c.1721G>C (p.Arg574Thr)

Gene: CACNA1G (calcium voltage-gated channel subunit alpha1 G; plus strand). Cytogenetic location: 17q21.33.
Variant type: single nucleotide variant.
Coding change: c.1721G>C on transcript NM_018896.5 (MANE Select); coding-DNA position 1721, G replaced by C.
Protein change: p.Arg574Thr; replaces arginine 574 with threonine.
Molecular consequence: missense variant. On other transcripts: non-coding transcript variant (5).
Genome position (GRCh38, 1-based): chr17:50,576,123, G>C. VCF-style: chr17-50576123-G-C. GRCh37 (hg19) VCF-style: chr17-48653484-G-C.
Other names: c.1721G>C, p.Arg574Thr (NM_001256324.2, NM_001256325.2, NM_001256326.2 and 24 more transcripts); short protein forms R574T.
Identifiers: ClinVar variation 1193288 (VCV001193288.2), dbSNP rs1200388606, ClinGen allele CA400238781.